The following is an entry in ClinVar:

NM_020884.7(MYH7B):c.4996G>A (p.Glu1666Lys)

Gene: MYH7B (myosin heavy chain 7B; plus strand). Cytogenetic location: 20q11.22.
Variant type: single nucleotide variant.
Coding change: c.4996G>A on transcript NM_020884.7 (MANE Select); coding-DNA position 4996, G replaced by A.
Protein change: p.Glu1666Lys; replaces glutamic acid 1666 with lysine.
Molecular consequence: missense variant.
Genome position (GRCh38, 1-based): chr20:35,000,507, G>A. VCF-style: chr20-35000507-G-A. GRCh37 (hg19) VCF-style: chr20-33588310-G-A.
Other names: short protein forms E1666K.
Identifiers: ClinVar variation 2070455 (VCV002070455.5), dbSNP rs779659453, ClinGen allele CA9828396.

ClinVar aggregate classification (germline): Uncertain significance. Review status: criteria provided, multiple submitters, no conflicts (2 of 4 stars). 2 submissions from 2 submitters: Uncertain significance (2). Last evaluated 2025-06-03.

Allele frequency attached by ClinVar (database versions not stated): gnomAD 0.00006; gnomAD exomes 0.00008; TOPMed 0.00009; ExAC 0.00014; 1000 Genomes Project 30x 0.00016.
gnomAD v4.1: 125 of 1,597,246 alleles (0.0078%); highest among the groups gnomAD compares: Admixed American, 0.013%; no homozygotes.

Submissions (2):

Labcorp Genetics (formerly Invitae), Labcorp
Classification: Uncertain significance. Last evaluated: 2025-06-03. Review status: criteria provided, single submitter. Criteria: Invitae Variant Classification Sherloc (09022015). Collection method: clinical testing. Allele origin: germline.
Comment: This sequence change replaces glutamic acid, which is acidic and polar, with lysine, which is basic and polar, at codon 1708 of the MYH7B protein (p.Glu1708Lys). This variant is present in population databases (rs779659453, gnomAD 0.2%), and has an allele count higher than expected for a pathogenic variant. This variant has not been reported in the literature in individuals affected with MYH7B-related conditions. ClinVar contains an entry for this variant (Variation ID: 2070455). Invitae Evidence Modeling of protein sequence and biophysical properties (such as structural, functional, and spatial information, amino acid conservation, physicochemical variation, residue mobility, and thermodynamic stability) indicates that this missense variant is expected to disrupt MYH7B protein function with a positive predictive value of 80%. In summary, the available evidence is currently insufficient to determine the role of this variant in disease. Therefore, it has been classified as a Variant of Uncertain Significance.

Ambry Genetics
Classification: Uncertain significance. Last evaluated: 2022-12-21. Review status: criteria provided, single submitter. Criteria: Ambry Variant Classification Scheme 2023. Collection method: clinical testing. Allele origin: germline.